The following is an entry in ClinVar:

ClinVar aggregate classification (germline): Uncertain significance (1 of 4 stars; one submission).

Conditions:
Combined oxidative phosphorylation defect type 17. Also called: Combined oxidative phosphorylation deficiency 17. Identifiers: Orphanet 369913, MedGen C3809526, MONDO:0014190, OMIM 615440.

Allele frequency attached by ClinVar (database versions not stated): gnomAD exomes below 0.00001.
gnomAD v4.1: 1 of 1,612,220 alleles (0.000062%); highest among the groups gnomAD compares: Non-Finnish European, 0.000085%; no homozygotes.

Submission:

Labcorp Genetics (formerly Invitae), Labcorp
Classification: Uncertain significance for Combined oxidative phosphorylation defect type 17. Last evaluated: 2022-06-07. Review status: criteria provided, single submitter. Criteria: Invitae Variant Classification Sherloc (09022015). Collection method: clinical testing. Allele origin: germline.
Comment: In summary, the available evidence is currently insufficient to determine the role of this variant in disease. Therefore, it has been classified as a Variant of Uncertain Significance. Algorithms developed to predict the effect of missense changes on protein structure and function output the following: SIFT: "Tolerated"; PolyPhen-2: "Benign"; Align-GVGD: "Class C0". The aspartic acid amino acid residue is found in multiple mammalian species, which suggests that this missense change does not adversely affect protein function. This variant has not been reported in the literature in individuals affected with ELAC2-related conditions. This variant is not present in population databases (gnomAD no frequency). This sequence change replaces glycine, which is neutral and non-polar, with aspartic acid, which is acidic and polar, at codon 801 of the ELAC2 protein (p.Gly801Asp).

NM_018127.7(ELAC2):c.2402G>A (p.Gly801Asp)

Gene: ELAC2 (elaC ribonuclease Z 2; minus strand). Cytogenetic location: 17p12.
Variant type: single nucleotide variant.
Coding change: c.2402G>A on transcript NM_018127.7 (MANE Select); coding-DNA position 2402, G replaced by A.
Protein change: p.Gly801Asp; replaces glycine 801 with aspartic acid.
Molecular consequence: missense variant.
Genome position (GRCh38, 1-based): chr17:12,992,897, C>T on the plus strand (G>A on the coding strand, the complement: ELAC2 is on the minus strand). VCF-style: chr17-12992897-C-T. GRCh37 (hg19) VCF-style: chr17-12896214-C-T.
Other names: c.2282G>A, p.Gly761Asp (NM_001165962.2); c.2399G>A, p.Gly800Asp (NM_173717.2); short protein forms G800D, G801D, G761D.
Identifiers: ClinVar variation 2002603 (VCV002002603.4), dbSNP rs2508200181, ClinGen allele CA398222159.